The following is an entry in ClinVar:

NM_000334.4(SCN4A):c.592T>C (p.Phe198Leu)

Gene: SCN4A (sodium voltage-gated channel alpha subunit 4; minus strand). Cytogenetic location: 17q23.3.
Variant type: single nucleotide variant.
Coding change: c.592T>C on transcript NM_000334.4 (MANE Select); coding-DNA position 592, T replaced by C.
Protein change: p.Phe198Leu; replaces phenylalanine 198 with leucine.
Molecular consequence: missense variant.
Genome position (GRCh38, 1-based): chr17:63,971,741, A>G on the plus strand (T>C on the coding strand, the complement: SCN4A is on the minus strand). VCF-style: chr17-63971741-A-G. GRCh37 (hg19) VCF-style: chr17-62049101-A-G.
Other names: short protein forms F198L.
Identifiers: ClinVar variation 432825 (VCV000432825.12), dbSNP rs1438145853, ClinGen allele CA400638910.

ClinVar aggregate classification (germline): Uncertain significance. Review status: criteria provided, multiple submitters, no conflicts (2 of 4 stars). 3 submissions from 3 submitters: Uncertain significance (3). Last evaluated 2020-07-14.

Conditions:
Hyperkalemic periodic paralysis. Also called: Familial hyperkalemic periodic paralysis; Gamstorp disease. Identifiers: Orphanet 682, MedGen C0238357, MONDO:0008224, OMIM 170500, HP:0007215.

Allele frequency attached by ClinVar (database versions not stated): gnomAD exomes 0.00001; TOPMed 0.00001.

Submissions (3):

Labcorp Genetics (formerly Invitae), Labcorp
Classification: Uncertain significance for Hyperkalemic periodic paralysis. Last evaluated: 2020-07-14. Review status: criteria provided, single submitter. Criteria: Invitae Variant Classification Sherloc (09022015). Collection method: clinical testing. Allele origin: germline.
Comment: This sequence change replaces phenylalanine with leucine at codon 198 of the SCN4A protein (p.Phe198Leu). The phenylalanine residue is highly conserved and there is a small physicochemical difference between phenylalanine and leucine. This variant is not present in population databases (ExAC no frequency). This variant has not been reported in the literature in individuals with SCN4A-related conditions. ClinVar contains an entry for this variant (Variation ID: 432825). Algorithms developed to predict the effect of missense changes on protein structure and function are either unavailable or do not agree on the potential impact of this missense change (SIFT: "Deleterious"; PolyPhen-2: "Probably Damaging"; Align-GVGD: "Class C15"). In summary, the available evidence is currently insufficient to determine the role of this variant in disease. Therefore, it has been classified as a Variant of Uncertain Significance.

GeneDx
Classification: Uncertain significance. Last evaluated: 2017-06-20. Review status: criteria provided, single submitter. Criteria: GeneDx Variant Classification (06012015). Collection method: clinical testing. Allele origin: germline. Affected: yes.
Comment: A variant of uncertain significance has been identified in the SCN4A gene. The F198L variant has not been published as a pathogenic variant, nor has it been reported as a benign variant to our knowledge. The F198L variant is not observed in large population cohorts (Lek et al., 2016; 1000 Genomes Consortium et al., 2015; Exome Variant Server). The F198L variant is a conservative amino acid substitution, which is not likely to impact secondary protein structure as these residues share similar properties. However, this substitution occurs at a position that is conserved across species. In silico analysis predicts this variant is probably damaging to the protein structure/function. Therefore, based on the currently available information, it is unclear whether this variant is a pathogenic variant or a rare benign variant.

Breakthrough Genomics
Classification: Uncertain significance. Review status: criteria provided, single submitter. Criteria: ACMG Guidelines, 2015. Collection method: not provided. Allele origin: germline. Inheritance: Autosomal recessive inheritance. Affected: yes.